The following is an entry in ClinVar:

NM_007194.4(CHEK2):c.369_442dup (p.Arg148delinsIleAlaLeuMetAsnHisCysTer)

Gene: CHEK2 (checkpoint kinase 2; minus strand). Cytogenetic location: 22q12.1.
Variant type: Duplication.
Coding change: c.369_442dup on transcript NM_007194.4 (MANE Select); coding-DNA positions 369 to 442, 74 bases duplicated.
Protein change: p.Arg148delinsIleAlaLeuMetAsnHisCysTer.
Molecular consequence: nonsense. On other transcripts: frameshift variant (3).
Genome position (GRCh38, 1-based): chr22:28,725,245-28,725,318, 74 bases duplicated. GRCh37 (hg19): chr22:29,121,234-29,121,307.
Other names: c.497_570dup, p.Arg191Ilefs (NM_001005735.3); c.-410_-337dup (NM_001257387.3); c.368_441dup, p.Arg148Ilefs (NM_001349956.3, NM_145862.3).
Identifiers: ClinVar variation 3266960 (VCV003266960.1).

ClinVar aggregate classification (germline): Pathogenic (1 of 4 stars; one submission).

Conditions:
Hereditary cancer-predisposing syndrome. Also called: Hereditary Cancer Syndrome; Tumor predisposition; Hereditary neoplastic syndrome; Neoplastic Syndromes, Hereditary. Identifiers: Orphanet 140162, MedGen C0027672, MeSH D009386, MONDO:0015356.

Submission:

Ambry Genetics
Classification: Pathogenic for Hereditary cancer-predisposing syndrome. Last evaluated: 2024-05-28. Review status: criteria provided, single submitter. Criteria: Ambry Variant Classification Scheme 2023. Collection method: clinical testing. Allele origin: germline.
Comment: The c.369_442dup74 pathogenic mutation, located in coding exon 2 of the CHEK2 gene, results from a duplication of 74 nucleotides at nucleotide position 369, causing a translational frameshift with a predicted alternate stop codon (p.R148Ifs*8). This variant is considered to be rare based on population cohorts in the Genome Aggregation Database (gnomAD). This alteration is expected to result in loss of function by premature protein truncation or nonsense-mediated mRNA decay. As such, this alteration is interpreted as a disease-causing mutation.